The following is an entry in ClinVar:

ClinVar aggregate classification (germline): Pathogenic. Review status: criteria provided, multiple submitters, no conflicts (2 of 4 stars). 7 submissions from 7 submitters: Pathogenic (6). 1 of the submissions does not count toward it. Last evaluated 2026-04-30.

Conditions:
Muscular dystrophy-dystroglycanopathy (congenital with brain and eye anomalies), type A2. Also called: WALKER-WARBURG SYNDROME OR MUSCLE-EYE-BRAIN DISEASE, POMT2-RELATED; MUSCULAR DYSTROPHY-DYSTROGLYCANOPATHY (CONGENITAL WITH BRAIN AND EYE ANOMALIES), TYPE A, 2. Identifiers: Orphanet 588, Orphanet 899, MedGen C3150411, MONDO:0013154, OMIM 613150.
Muscular dystrophy-dystroglycanopathy (congenital with impaired intellectual development), type B, 2. Also called: MUSCULAR DYSTROPHY, CONGENITAL, POMT2-RELATED; Muscular dystrophy-dystroglycanopathy (congenital with intellectual disability), type B2. Identifiers: MedGen C3150416, MONDO:0013160, OMIM 613156.
Autosomal recessive limb-girdle muscular dystrophy type 2N. Also called: Muscular dystrophy-dystroglycanopathy (limb-girdle), type C, 2; MUSCULAR DYSTROPHY-DYSTROGLYCANOPATHY, LIMB-GIRDLE, POMT2-RELATED. Identifiers: Orphanet 206559, MedGen C3150418, MONDO:0013162, OMIM 613158.

Allele frequency attached by ClinVar (database versions not stated): TOPMed 0.00002; 1000 Genomes Project 30x 0.00016; 1000 Genomes Project 0.00020; gnomAD 0.00003; gnomAD exomes 0.00003; ExAC 0.00004.
gnomAD v4.1: 37 of 1,613,808 alleles (0.0023%); highest among the groups gnomAD compares: South Asian, 0.021%; no homozygotes.

Submissions (7):

GeneDx
Classification: Pathogenic. Last evaluated: 2026-04-30. Review status: criteria provided, single submitter. Criteria: GeneDx Variant Classification Process June 2021. Collection method: clinical testing. Allele origin: germline.
Comment: Canonical splice site variant predicted to result in a null allele in a gene for which loss of function is a known mechanism of disease; Also known as c.1005+1 G>A; This variant is associated with the following publications: (PMID: 25525159, 15894594, 32552793, 22323514, 40102912)

Labcorp Genetics (formerly Invitae), Labcorp
Classification: Pathogenic for Muscular dystrophy-dystroglycanopathy (congenital with impaired intellectual development), type B, 2; Muscular dystrophy-dystroglycanopathy (congenital with brain and eye anomalies), type A2; Autosomal recessive limb-girdle muscular dystrophy type 2N. Last evaluated: 2026-01-27. Review status: criteria provided, single submitter. Criteria: Invitae Variant Classification Sherloc (09022015). Collection method: clinical testing. Allele origin: germline.
Comment: This sequence change affects a donor splice site in intron 8 of the POMT2 gene. It is expected to disrupt RNA splicing. Variants that disrupt the donor or acceptor splice site typically lead to a loss of protein function (PMID: 16199547), and loss-of-function variants in POMT2 are known to be pathogenic (PMID: 15894594). This variant is present in population databases (rs533916138, gnomAD 0.02%). Disruption of this splice site has been observed in individuals with POMT2-related conditions (PMID: 15894594, 22323514). This variant is also known as c.1005+1G>A. ClinVar contains an entry for this variant (Variation ID: 3219). Algorithms developed to predict the effect of sequence changes on RNA splicing suggest that this variant may disrupt the consensus splice site. For these reasons, this variant has been classified as Pathogenic.

First Genomix Gene Laboratory, Genetic Diagnostics Department
Classification: Pathogenic for Muscular dystrophy-dystroglycanopathy (congenital with brain and eye anomalies), type A2; Muscular dystrophy-dystroglycanopathy (congenital with impaired intellectual development), type B, 2; Autosomal recessive limb-girdle muscular dystrophy type 2N. Last evaluated: 2025-03-18. Review status: criteria provided, single submitter. Criteria: ACMG Guidelines, 2015. Collection method: clinical testing. Allele origin: germline. Inheritance: Autosomal recessive inheritance. Affected: no. Observed: 1 variant allele.

Genomic Medicine Center of Excellence, King Faisal Specialist Hospital and Research Centre
Classification: Pathogenic for Muscular dystrophy-dystroglycanopathy (congenital with brain and eye anomalies), type A2. Last evaluated: 2024-10-07. Review status: criteria provided, single submitter. Criteria: ACMG Guidelines, 2015. Collection method: clinical testing. Allele origin: germline.

Baylor Genetics
Classification: Pathogenic for Muscular dystrophy-dystroglycanopathy (congenital with brain and eye anomalies), type A2. Last evaluated: 2024-03-25. Review status: criteria provided, single submitter. Criteria: ACMG Guidelines, 2015. Collection method: clinical testing. Allele origin: unknown.

Eurofins Ntd Llc (ga)
Classification: Pathogenic. Last evaluated: 2015-12-10. Review status: criteria provided, single submitter. Criteria: EGL Classification Definitions 2015. Collection method: clinical testing. Allele origin: germline. Observed: 1 variant allele, 1 heterozygote.

OMIM
Classification: Pathogenic for MUSCULAR DYSTROPHY-DYSTROGLYCANOPATHY (CONGENITAL WITH BRAIN AND EYE ANOMALIES), TYPE A, 2. Last evaluated: 2005-12-01. Review status: no assertion criteria provided. Collection method: literature only. Allele origin: germline. Not counted in ClinVar's aggregate classification.

Literature cited by the submitters: PubMed 16199547 (cited by Labcorp Genetics (formerly Invitae), Labcorp); PubMed 15894594 (cited by 3 submitters); PubMed 22323514 (cited by Labcorp Genetics (formerly Invitae), Labcorp and Eurofins Ntd Llc (ga)).

NM_013382.7(POMT2):c.1006+1G>A

Gene: POMT2 (protein O-mannosyltransferase 2; minus strand). Cytogenetic location: 14q24.3.
Variant type: single nucleotide variant.
Coding change: c.1006+1G>A on transcript NM_013382.7 (MANE Select); the canonical splice donor site of the intron after coding-DNA position 1006, G replaced by A.
Molecular consequence: splice donor variant.
Genome position (GRCh38, 1-based): chr14:77,298,688, C>T on the plus strand (G>A on the coding strand, the complement: POMT2 is on the minus strand). VCF-style: chr14-77298688-C-T. GRCh37 (hg19) VCF-style: chr14-77765031-C-T.
Other names: IVS8DS, G-A, +1.
Identifiers: ClinVar variation 3219 (VCV000003219.20), dbSNP rs533916138, ClinGen allele CA252631.